The following is an entry in ClinVar:

ClinVar aggregate classification (germline): Uncertain significance (1 of 4 stars; one submission).

Submission:

GeneDx
Classification: Uncertain significance. Last evaluated: 2026-02-13. Review status: criteria provided, single submitter. Criteria: GeneDx Variant Classification Process June 2021. Collection method: clinical testing. Allele origin: germline.
Comment: Not observed at significant frequency in large population cohorts (gnomAD); Frameshift variant predicted to result in protein truncation or nonsense mediated decay in a gene or region of a gene for which loss of function is not a well-established mechanism of disease; Has not been previously published as pathogenic or benign to our knowledge

NM_001999.4(FBN2):c.3568_3577del (p.Glu1190fs)

Gene: FBN2 (fibrillin 2; minus strand). Cytogenetic location: 5q23.3.
Variant type: Deletion.
Coding change: c.3568_3577del on transcript NM_001999.4 (MANE Select); coding-DNA positions 3568 to 3577, 10 bases deleted (GAGCTGTCAC; older notation c.3568_3577delGAGCTGTCAC).
Protein change: p.Glu1190fs; shifts the reading frame from glutamic acid 1190.
Molecular consequence: frameshift variant.
Genome position (GRCh38, 1-based): chr5:128,338,018-128,338,027, GTGACAGCTC deleted on the plus strand (GAGCTGTCAC on the coding strand, the reverse complement: FBN2 is on the minus strand); deleting any 10 consecutive bases within chr5:128,338,018-128,338,030 gives the same sequence; the c. name uses the placement nearest the transcript's 3' end. VCF-style (leftmost placement, unchanged base first): chr5-128338017-GGTGACAGCTC-G. GRCh37 (hg19) VCF-style: chr5-127673709-GGTGACAGCTC-G.
Other names: short protein forms E1190fs.
Identifiers: ClinVar variation 5008478 (VCV005008478.1).
Genomic context (GRCh38, chr5:128,338,017, plus strand): 5'-TTGTGCTGGGCAGGTTTATGTGCTGAGGAGATAAACTCACCCACACAGTCCTCACGGGAT[GGTGACAGCTC>G]GTGTCCCAGTGGGCAGTCACACTGAAAGCTGCCCTCAGTGTTCACACAGGTGCCACCCCT-3'